The following is an entry in ClinVar:

ClinVar aggregate classification (germline): Uncertain significance. Review status: criteria provided, multiple submitters, no conflicts (2 of 4 stars). 2 submissions from 2 submitters: Uncertain significance (2). Last evaluated 2025-01-17.

Conditions:
Spondyloepiphyseal dysplasia with congenital joint dislocations (SEDCJD). Also called: Chondrodysplasia with Congenital Joint Dislocations, CHST3-Related. Identifiers: Orphanet 263463, MedGen C1837657, MONDO:0007738, OMIM 143095.
Inborn genetic diseases. Identifiers: MedGen C0950123, MeSH D030342.

gnomAD v4.1: 4 of 1,603,212 alleles (0.00025%); highest among the groups gnomAD compares: Non-Finnish European, 0.00034%; no homozygotes.

Submissions (2):

Ambry Genetics
Classification: Uncertain significance for Inborn genetic diseases. Last evaluated: 2025-01-17. Review status: criteria provided, single submitter. Criteria: Ambry Variant Classification Scheme 2023. Collection method: clinical testing. Allele origin: germline.

Labcorp Genetics (formerly Invitae), Labcorp
Classification: Uncertain significance for Spondyloepiphyseal dysplasia with congenital joint dislocations. Last evaluated: 2024-11-11. Review status: criteria provided, single submitter. Criteria: Invitae Variant Classification Sherloc (09022015). Collection method: clinical testing. Allele origin: germline.
Comment: This sequence change replaces alanine, which is neutral and non-polar, with glutamic acid, which is acidic and polar, at codon 129 of the CHST3 protein (p.Ala129Glu). The frequency data for this variant in the population databases is considered unreliable, as metrics indicate poor data quality at this position in the gnomAD database. This variant has not been reported in the literature in individuals affected with CHST3-related conditions. ClinVar contains an entry for this variant (Variation ID: 2906097). Invitae Evidence Modeling of protein sequence and biophysical properties (such as structural, functional, and spatial information, amino acid conservation, physicochemical variation, residue mobility, and thermodynamic stability) indicates that this missense variant is not expected to disrupt CHST3 protein function with a negative predictive value of 95%. In summary, the available evidence is currently insufficient to determine the role of this variant in disease. Therefore, it has been classified as a Variant of Uncertain Significance.

NM_004273.5(CHST3):c.386C>A (p.Ala129Glu)

Gene: CHST3 (carbohydrate sulfotransferase 3; plus strand). Cytogenetic location: 10q22.1.
Variant type: single nucleotide variant.
Coding change: c.386C>A on transcript NM_004273.5 (MANE Select); coding-DNA position 386, C replaced by A.
Protein change: p.Ala129Glu; replaces alanine 129 with glutamic acid.
Molecular consequence: missense variant.
Genome position (GRCh38, 1-based): chr10:72,007,417, C>A. VCF-style: chr10-72007417-C-A. GRCh37 (hg19) VCF-style: chr10-73767175-C-A.
Other names: c.386C>A (NM_004273.4); short protein forms A129E.
Identifiers: ClinVar variation 2906097 (VCV002906097.4), dbSNP rs147535559, ClinGen allele CA377143575.